The following is an entry in ClinVar:

ClinVar aggregate classification (germline): Uncertain significance (1 of 4 stars; one submission).

Submission:

Women's Health and Genetics/Laboratory Corporation of America, LabCorp
Classification: Uncertain significance. Last evaluated: 2024-05-07. Review status: criteria provided, single submitter. Criteria: LabCorp Variant Classification Summary - May 2015. Collection method: clinical testing. Allele origin: germline.
Comment: Variant summary: TPO c.2599T>C (p.Ser867Pro) results in a non-conservative amino acid change in the encoded protein sequence. Three of five in-silico tools predict a benign effect of the variant on protein function. The variant was absent in 250794 control chromosomes. The available data on variant occurrences in the general population are insufficient to allow any conclusion about variant significance. c.2599T>C has been reported in the literature as a non-informative genotype (second allele and/or zygosity not specified) in cohorts of individuals affected with Congenital Hypothyroidism (example, Long_2018, Yu_2018). These report(s) do not provide unequivocal conclusions about association of the variant with Deficiency Of Iodide Peroxidase. To our knowledge, no experimental evidence demonstrating an impact on protein function has been reported. No submitters have cited clinical-significance assessments for this variant to ClinVar. Based on the evidence outlined above, the variant was classified as uncertain significance.

Literature cited by the submitters: PubMed 30022773; PubMed 30420871; PubMed 33298898.

NM_001206744.2(TPO):c.2599T>C (p.Ser867Pro)

Genes: LALTOP (lung cancer associated lncRNA targeting TOP2A; minus strand), TPO (thyroid peroxidase; plus strand). Cytogenetic location: 2p25.3.
Variant type: single nucleotide variant.
Coding change: c.2599T>C on transcript NM_001206744.2 (MANE Select); coding-DNA position 2599, T replaced by C.
Protein change: p.Ser867Pro; replaces serine 867 with proline.
Molecular consequence: missense variant.
Genome position (GRCh38, 1-based): chr2:1,516,963, T>C. VCF-style: chr2-1516963-T-C. GRCh37 (hg19) VCF-style: chr2-1520735-T-C.
Other names: c.2080T>C, p.Ser694Pro (NM_175722.3); c.2599T>C, p.Ser867Pro (NM_000547.6); c.2428T>C, p.Ser810Pro (NM_001206745.2, NM_175719.4); c.2467T>C, p.Ser823Pro (NM_175721.3); short protein forms S694P, S810P, S823P, S867P.
Identifiers: ClinVar variation 3336122 (VCV003336122.1).